The following is an entry in ClinVar:

ClinVar aggregate classification (germline): Uncertain significance. Review status: criteria provided, multiple submitters, no conflicts (2 of 4 stars). 2 submissions from 2 submitters: Uncertain significance (2). Last evaluated 2026-10-11.

Conditions:
Early-infantile DEE. Also called: Early infantile epileptic encephalopathy; Ohtahara syndrome; Early infantile epileptic encephalopathy with suppression bursts. Identifiers: Orphanet 1934, MedGen C0393706, MONDO:0800491.

Submissions (2):

GeneDx
Classification: Uncertain significance. Last evaluated: 2026-10-11. Review status: criteria provided, single submitter. Criteria: GeneDx Variant Classification Process June 2021. Collection method: clinical testing. Allele origin: germline.
Comment: Not observed at significant frequency in large population cohorts (gnomAD); In silico analysis supports that this missense variant has a deleterious effect on protein structure/function; Has not been previously published as pathogenic or benign to our knowledge; This substitution is predicted to be within the transmembrane segment S3 of the second homologous domain

Labcorp Genetics (formerly Invitae), Labcorp
Classification: Uncertain significance for Early-infantile DEE. Last evaluated: 2022-12-23. Review status: criteria provided, single submitter. Criteria: Invitae Variant Classification Sherloc (09022015). Collection method: clinical testing. Allele origin: germline.
Comment: In summary, the available evidence is currently insufficient to determine the role of this variant in disease. Therefore, it has been classified as a Variant of Uncertain Significance. Advanced modeling of protein sequence and biophysical properties (such as structural, functional, and spatial information, amino acid conservation, physicochemical variation, residue mobility, and thermodynamic stability) performed at Invitae indicates that this missense variant is expected to disrupt SCN8A protein function. This variant has not been reported in the literature in individuals affected with SCN8A-related conditions. This variant is not present in population databases (gnomAD no frequency). This sequence change replaces leucine, which is neutral and non-polar, with arginine, which is basic and polar, at codon 832 of the SCN8A protein (p.Leu832Arg).

NM_001330260.2(SCN8A):c.2495T>G (p.Leu832Arg)

Gene: SCN8A (sodium voltage-gated channel alpha subunit 8; plus strand). Cytogenetic location: 12q13.13.
Variant type: single nucleotide variant.
Coding change: c.2495T>G on transcript NM_001330260.2 (MANE Select); coding-DNA position 2495, T replaced by G.
Protein change: p.Leu832Arg; replaces leucine 832 with arginine.
Molecular consequence: missense variant.
Genome position (GRCh38, 1-based): chr12:51,762,627, T>G. VCF-style: chr12-51762627-T-G. GRCh37 (hg19) VCF-style: chr12-52156411-T-G.
Other names: c.2495T>G, p.Leu832Arg (NM_001177984.3, NM_001369788.1, NM_014191.4); c.2495T>G (NM_014191.3, NM_001330260.1); short protein forms L832R.
Identifiers: ClinVar variation 2823678 (VCV002823678.4), dbSNP rs2540254119, ClinGen allele CA384884438.